The following is an entry in ClinVar:

NM_000051.4(ATM):c.3285-2_3285-1insAAAAAAAAAAAAAAAAAAAAAAAA

Gene: ATM (ATM serine/threonine kinase; plus strand). Cytogenetic location: 11q22.3.
Variant type: Insertion.
Coding change: c.3285-2_3285-1insAAAAAAAAAAAAAAAAAAAAAAAA on transcript NM_000051.4 (MANE Select); the canonical splice acceptor site of the intron before coding-DNA position 3285, AAAAAAAAAAAAAAAAAAAAAAAA inserted.
Molecular consequence: splice acceptor variant.
Genome position: GRCh38 VCF-style: chr11-108279487-T-TAAAAAAAAAAAAAAAAAAAAAAAA. GRCh37 (hg19) VCF-style: chr11-108150214-T-TAAAAAAAAAAAAAAAAAAAAAAAA.
Other names: c.3285-2_3285-1insAAAAAAAAAAAAAAAAAAAAAAAA (NM_001351834.2).
Identifiers: ClinVar variation 1070646 (VCV001070646.9), dbSNP rs2135642194, ClinGen allele CA2499220610.

ClinVar aggregate classification (germline): Pathogenic (1 of 4 stars; one submission).

Conditions:
Ataxia-telangiectasia syndrome (AT). Also called: LOUIS-BAR SYNDROME; Ataxia-telangiectasia, complementation group D; AT, COMPLEMENTATION GROUP C; Cerebello-oculocutaneous telangiectasia; Immunodeficiency with ataxia telangiectasia; ATAXIA-TELANGIECTASIA, COMPLEMENTATION GROUP A. Identifiers: Orphanet 100, MedGen C0004135, MONDO:0008840, OMIM 208900.

Submission:

Labcorp Genetics (formerly Invitae), Labcorp
Classification: Pathogenic for Ataxia-telangiectasia syndrome. Last evaluated: 2022-02-19. Review status: criteria provided, single submitter. Criteria: Invitae Variant Classification Sherloc (09022015). Collection method: clinical testing. Allele origin: germline.
Comment: For these reasons, this variant has been classified as Pathogenic. Retrotransposon insertions including LINE1 (L1), Alu, and SVA (SINE-VNTR-Alu) have been reported to be disease-causing through disruption of either a coding region or splice site (PMID: 19763152, 20307669, 22406018) and loss-of-function variants in ATM are known to be pathogenic (PMID: 23807571, 25614872). Algorithms developed to predict the effect of sequence changes on RNA splicing suggest that this variant may disrupt the consensus splice site. ClinVar contains an entry for this variant (Variation ID: 1070646). This variant has not been reported in the literature in individuals affected with ATM-related conditions. This variant is not present in population databases (gnomAD no frequency). This sequence change affects an acceptor splice site in intron 22 of the ATM gene. It is expected to disrupt RNA splicing. Variants that disrupt the donor or acceptor splice site typically lead to a loss of protein function (PMID: 16199547), and loss-of-function variants in ATM are known to be pathogenic (PMID: 23807571, 25614872).

Literature cited by the submitters: PubMed 19763152; PubMed 20307669; PubMed 22406018; PubMed 23807571; PubMed 25614872; PubMed 16199547.